The following is an entry in ClinVar:

ClinVar aggregate classification (germline): Uncertain significance. Review status: criteria provided, multiple submitters, no conflicts (2 of 4 stars). 4 submissions from 4 submitters: Uncertain significance (3). 1 of the submissions does not count toward it. Last evaluated 2026-08-19.

Conditions:
VPS13B-related disorder. Also called: VPS13B-related condition.
Cohen syndrome (COH1). Also called: Cutis verticis gyrata, retinitis pigmentosa, and sensorineural deafness; PEPPER SYNDROME. Identifiers: Orphanet 193, MedGen C0265223, MONDO:0008999, OMIM 216550.

Allele frequency attached by ClinVar (database versions not stated): gnomAD 0.00003 and 0.00004; gnomAD exomes 0.00003; TOPMed 0.00003; ESP Exome Variant Server 0.00008; 1000 Genomes Project 30x 0.00016; 1000 Genomes Project 0.00020.
gnomAD v4.1: 45 of 1,612,928 alleles (0.0028%); highest among the groups gnomAD compares: South Asian, 0.0099%; no homozygotes.

Submissions (4):

PreventionGenetics, part of Exact Sciences
Classification: Uncertain significance for VPS13B-related condition. Last evaluated: 2026-08-19. Review status: criteria provided, single submitter. Criteria: ACMG Guidelines, 2015. Collection method: clinical testing. Allele origin: germline.
Comment: The VPS13B c.10714G>A variant is predicted to result in the amino acid substitution p.Val3572Ile. To our knowledge, this variant has not been reported in the literature. This variant is reported in 0.023% of alleles in individuals of South Asian descent in gnomAD. At this time, the clinical significance of this variant is uncertain due to the absence of conclusive functional and genetic evidence.

CeGaT Center for Human Genetics Tuebingen
Classification: Uncertain significance. Last evaluated: 2026-08-01. Review status: criteria provided, single submitter. Criteria: CeGaT Center For Human Genetics Tuebingen Variant Classification Criteria Version 2. Collection method: clinical testing. Allele origin: germline. Affected: yes. Observed: 1 variant allele.
Comment: VPS13B: PM2, BP4

Labcorp Genetics (formerly Invitae), Labcorp
Classification: Uncertain significance for Cohen syndrome. Last evaluated: 2024-10-21. Review status: criteria provided, single submitter. Criteria: Invitae Variant Classification Sherloc (09022015). Collection method: clinical testing. Allele origin: germline.
Comment: This sequence change replaces valine, which is neutral and non-polar, with isoleucine, which is neutral and non-polar, at codon 3597 of the VPS13B protein (p.Val3597Ile). This variant is present in population databases (rs369258469, gnomAD 0.02%). This variant has not been reported in the literature in individuals affected with VPS13B-related conditions. ClinVar contains an entry for this variant (Variation ID: 1009373). Invitae Evidence Modeling of protein sequence and biophysical properties (such as structural, functional, and spatial information, amino acid conservation, physicochemical variation, residue mobility, and thermodynamic stability) indicates that this missense variant is expected to disrupt VPS13B protein function with a positive predictive value of 80%. In summary, the available evidence is currently insufficient to determine the role of this variant in disease. Therefore, it has been classified as a Variant of Uncertain Significance.

Natera, Inc.
Classification: Uncertain significance for Cohen syndrome. Last evaluated: 2020-03-29. Review status: no assertion criteria provided. Collection method: clinical testing. Allele origin: germline. Not counted in ClinVar's aggregate classification.

NM_152564.5(VPS13B):c.10714G>A (p.Val3572Ile)

Gene: VPS13B (vacuolar protein sorting 13 homolog B; plus strand). Cytogenetic location: 8q22.2.
Variant type: single nucleotide variant.
Coding change: c.10714G>A on transcript NM_152564.5 (MANE Select); coding-DNA position 10714, G replaced by A.
Protein change: p.Val3572Ile; replaces valine 3572 with isoleucine.
Molecular consequence: missense variant.
Genome position (GRCh38, 1-based): chr8:99,854,103, G>A. VCF-style: chr8-99854103-G-A. GRCh37 (hg19) VCF-style: chr8-100866331-G-A.
Other names: c.10789G>A, p.Val3597Ile (NM_017890.5); c.10714G>A (NM_152564.4); short protein forms V3572I, V3597I.
Identifiers: ClinVar variation 1009373 (VCV001009373.9), dbSNP rs369258469, ClinGen allele CA4825006.